The following is an entry in ClinVar:

NM_000392.5(ABCC2):c.908A>G (p.Lys303Arg)

Gene: ABCC2 (ATP binding cassette subfamily C member 2; plus strand). Cytogenetic location: 10q24.2.
Variant type: single nucleotide variant.
Coding change: c.908A>G on transcript NM_000392.5 (MANE Select); coding-DNA position 908, A replaced by G.
Protein change: p.Lys303Arg; replaces lysine 303 with arginine.
Molecular consequence: missense variant.
Genome position (GRCh38, 1-based): chr10:99,799,247, A>G. VCF-style: chr10-99799247-A-G. GRCh37 (hg19) VCF-style: chr10-101559004-A-G.
Other names: c.908A>G, p.Lys303Arg (LRG_1208t1); c.908A>G (NM_000392.3, NM_000392.4); short protein forms K303R.
Identifiers: ClinVar variation 596464 (VCV000596464.8), dbSNP rs200342237, ClinGen allele CA5643030.

ClinVar aggregate classification (germline): Uncertain significance. Review status: criteria provided, multiple submitters, no conflicts (2 of 4 stars). 3 submissions from 3 submitters: Uncertain significance (2). 1 of the submissions does not count toward it. Last evaluated 2021-10-20.

Conditions:
ABCC2-related disorder. Also called: ABCC2-related condition.
Inborn genetic diseases. Identifiers: MedGen C0950123, MeSH D030342.

Allele frequency attached by ClinVar (database versions not stated): gnomAD 0.00001; gnomAD exomes 0.00002 and 0.00003; TOPMed 0.00003; ExAC 0.00004.
gnomAD v4.1: 37 of 1,614,118 alleles (0.0023%); highest among the groups gnomAD compares: Middle Eastern, 0.12%; no homozygotes.

Submissions (3):

Ambry Genetics
Classification: Uncertain significance for Inborn genetic diseases. Last evaluated: 2021-10-20. Review status: criteria provided, single submitter. Criteria: Ambry Variant Classification Scheme 2023. Collection method: clinical testing. Allele origin: germline.

Eurofins Ntd Llc (ga)
Classification: Uncertain significance. Last evaluated: 2018-03-15. Review status: criteria provided, single submitter. Criteria: EGL ClinVar v180209 classification definitions. Collection method: clinical testing. Allele origin: germline. Observed: 1 variant allele, 1 heterozygote.

PreventionGenetics, part of Exact Sciences
Classification: Uncertain significance for ABCC2-related condition. Last evaluated: 2024-03-26. Review status: no assertion criteria provided. Collection method: clinical testing. Allele origin: germline. Not counted in ClinVar's aggregate classification.
Comment: The ABCC2 c.908A>G variant is predicted to result in the amino acid substitution p.Lys303Arg. To our knowledge, this variant has not been reported in the literature. This variant is reported in 0.0085% of alleles in individuals of Latino descent in gnomAD. At this time, the clinical significance of this variant is uncertain due to the absence of conclusive functional and genetic evidence.